The following is an entry in ClinVar:

NM_181672.3(OGT):c.1454G>A (p.Arg485Gln)

Gene: OGT (O-linked N-acetylglucosamine (GlcNAc) transferase; plus strand). Cytogenetic location: Xq13.1.
Variant type: single nucleotide variant.
Coding change: c.1454G>A on transcript NM_181672.3 (MANE Select); coding-DNA position 1454, G replaced by A.
Protein change: p.Arg485Gln; replaces arginine 485 with glutamine.
Molecular consequence: missense variant.
Genome position (GRCh38, 1-based): chrX:71,557,524, G>A. VCF-style: chrX-71557524-G-A. GRCh37 (hg19) VCF-style: chrX-70777374-G-A.
Other names: c.1424G>A, p.Arg475Gln (NM_181673.3); short protein forms R475Q, R485Q.
Identifiers: ClinVar variation 2574228 (VCV002574228.10), dbSNP rs2522845711, ClinGen allele CA413553698.

ClinVar aggregate classification (germline): Uncertain significance. Review status: criteria provided, multiple submitters, no conflicts (2 of 4 stars). 2 submissions from 2 submitters: Uncertain significance (2). Last evaluated 2025-03-01.

Submissions (2):

CeGaT Center for Human Genetics Tuebingen
Classification: Uncertain significance. Last evaluated: 2025-03-01. Review status: criteria provided, single submitter. Criteria: CeGaT Center For Human Genetics Tuebingen Variant Classification Criteria Version 2. Collection method: clinical testing. Allele origin: germline. Affected: yes. Observed: 1 variant allele.
Comment: OGT: PM2, PP2

GeneDx
Classification: Uncertain significance. Last evaluated: 2025-01-28. Review status: criteria provided, single submitter. Criteria: GeneDx Variant Classification Process June 2021. Collection method: clinical testing. Allele origin: germline. Affected: yes.
Comment: Not observed at significant frequency in large population cohorts (gnomAD); In silico analysis indicates that this missense variant does not alter protein structure/function; Has not been previously published as pathogenic or benign to our knowledge